The following is an entry in ClinVar:

ClinVar aggregate classification (germline): Uncertain significance (1 of 4 stars; one submission).

Conditions:
Ehlers-Danlos syndrome, musculocontractural type (EDSMC). Also called: Adducted thumb, clubfoot, progressive joint and skin laxity syndrome; DUNDAR SYNDROME; ADDUCTED THUMB-CLUBFOOT SYNDROME; ARTHROGRYPOSIS, DISTAL, WITH PECULIAR FACIES AND HYDRONEPHROSIS. Identifiers: Orphanet 2953, MedGen C1866294, MONDO:0011142.

Submission:

Labcorp Genetics (formerly Invitae), Labcorp
Classification: Uncertain significance for Ehlers-Danlos syndrome, musculocontractural type. Last evaluated: 2025-07-07. Review status: criteria provided, single submitter. Criteria: Invitae Variant Classification Sherloc (09022015). Collection method: clinical testing. Allele origin: germline.
Comment: This sequence change affects codon 346 of the CHST14 mRNA. It is a 'silent' change, meaning that it does not change the encoded amino acid sequence of the CHST14 protein. This variant is not present in population databases (gnomAD no frequency). This variant has not been reported in the literature in individuals affected with CHST14-related conditions. In summary, the available evidence is currently insufficient to determine the role of this variant in disease. Therefore, it has been classified as a Variant of Uncertain Significance.

NM_130468.4(CHST14):c.1038C>A (p.Ala346=)

Gene: CHST14 (carbohydrate sulfotransferase 14; plus strand). Cytogenetic location: 15q15.1.
Variant type: single nucleotide variant.
Coding change: c.1038C>A on transcript NM_130468.4 (MANE Select); coding-DNA position 1038, C replaced by A.
Protein change: p.Ala346=; no amino-acid change (alanine 346 retained).
Molecular consequence: synonymous variant.
Genome position (GRCh38, 1-based): chr15:40,472,251, C>A. VCF-style: chr15-40472251-C-A. GRCh37 (hg19) VCF-style: chr15-40764450-C-A.
Identifiers: ClinVar variation 4749256 (VCV004749256.1).